The following is an entry in ClinVar:

ClinVar aggregate classification (germline): Uncertain significance. Review status: criteria provided, multiple submitters, no conflicts (2 of 4 stars). 3 submissions from 3 submitters: Uncertain significance (3). Last evaluated 2024-10-25.

Conditions:
BAP1-related tumor predisposition syndrome (TPDS1). Also called: Tumor susceptibility linked to germline BAP1 mutations; BAP1 tumor predisposition syndrome; COMMON Syndrome; TUMOR PREDISPOSITION SYNDROME 1. Identifiers: Orphanet 289539, MedGen C3280492, MONDO:0013692, OMIM 614327.

Allele frequency attached by ClinVar (database versions not stated): gnomAD exomes below 0.00001; ExAC 0.00001; gnomAD 0.00001.
gnomAD v4.1: 2 of 1,612,358 alleles (0.00012%); highest among the groups gnomAD compares: Non-Finnish European, 0.000085%; no homozygotes.

Submissions (3):

Blueprint Genetics
Classification: Uncertain significance. Last evaluated: 2024-10-25. Review status: criteria provided, single submitter. Criteria: ACMG Guidelines, 2015. Collection method: clinical testing. Allele origin: germline.

Labcorp Genetics (formerly Invitae), Labcorp
Classification: Uncertain significance for BAP1-related tumor predisposition syndrome. Last evaluated: 2024-09-23. Review status: criteria provided, single submitter. Criteria: Invitae Variant Classification Sherloc (09022015). Collection method: clinical testing. Allele origin: germline.
Comment: This sequence change falls in intron 8 of the BAP1 gene. It does not directly change the encoded amino acid sequence of the BAP1 protein. This variant is present in population databases (rs755235127, gnomAD 0.0009%). This variant has not been reported in the literature in individuals affected with BAP1-related conditions. ClinVar contains an entry for this variant (Variation ID: 1471930). Algorithms developed to predict the effect of sequence changes on RNA splicing suggest that this variant may disrupt the consensus splice site. In summary, the available evidence is currently insufficient to determine the role of this variant in disease. Therefore, it has been classified as a Variant of Uncertain Significance.

Baylor Genetics
Classification: Uncertain significance for BAP1-related tumor predisposition syndrome. Last evaluated: 2023-10-24. Review status: criteria provided, single submitter. Criteria: ACMG Guidelines, 2015. Collection method: clinical testing. Allele origin: unknown.

NM_004656.4(BAP1):c.660-14G>A

Gene: BAP1 (BRCA1 associated deubiquitinase 1; minus strand). Cytogenetic location: 3p21.1.
Variant type: single nucleotide variant.
Coding change: c.660-14G>A on transcript NM_004656.4 (MANE Select); 14 bases into the intron before coding-DNA position 660, G replaced by A.
Molecular consequence: intron variant.
Genome position (GRCh38, 1-based): chr3:52,406,390, C>T on the plus strand (G>A on the coding strand, the complement: BAP1 is on the minus strand). VCF-style: chr3-52406390-C-T. GRCh37 (hg19) VCF-style: chr3-52440406-C-T.
Identifiers: ClinVar variation 1471930 (VCV001471930.8), dbSNP rs755235127, ClinGen allele CA2437022.